The following is an entry in ClinVar:

NM_015330.6(SPECC1L):c.2397G>T (p.Lys799Asn)

Genes: SPECC1L (sperm antigen with calponin homology and coiled-coil domains 1 like; plus strand), SPECC1L-ADORA2A (SPECC1L-ADORA2A readthrough (NMD candidate); plus strand). Cytogenetic location: 22q11.23.
Variant type: single nucleotide variant.
Coding change: c.2397G>T on transcript NM_015330.6 (MANE Select); coding-DNA position 2397, G replaced by T.
Protein change: p.Lys799Asn; replaces lysine 799 with asparagine.
Molecular consequence: missense variant. On other transcripts: non-coding transcript variant (1).
Genome position (GRCh38, 1-based): chr22:24,334,410, G>T. VCF-style: chr22-24334410-G-T. GRCh37 (hg19) VCF-style: chr22-24730378-G-T.
Other names: c.2397G>T, p.Lys799Asn (NM_001145468.4, NM_001254732.3); short protein forms K799N.
Identifiers: ClinVar variation 4768982 (VCV004768982.1).

ClinVar aggregate classification (germline): Uncertain significance (1 of 4 stars; one submission).

gnomAD v4.1: 7 of 1,614,020 alleles (0.00043%); highest among the groups gnomAD compares: African/African-American, 0.0013%; no homozygotes.

Submission:

Labcorp Genetics (formerly Invitae), Labcorp
Classification: Uncertain significance. Last evaluated: 2025-02-27. Review status: criteria provided, single submitter. Criteria: Invitae Variant Classification Sherloc (09022015). Collection method: clinical testing. Allele origin: germline.
Comment: This sequence change replaces lysine, which is basic and polar, with asparagine, which is neutral and polar, at codon 799 of the SPECC1L protein (p.Lys799Asn). This variant is not present in population databases (gnomAD no frequency). This variant has not been reported in the literature in individuals affected with SPECC1L-related conditions. An algorithm developed to predict the effect of missense changes on protein structure and function (PolyPhen-2) suggests that this variant is likely to be disruptive. In summary, the available evidence is currently insufficient to determine the role of this variant in disease. Therefore, it has been classified as a Variant of Uncertain Significance.